The following is an entry in ClinVar:

ClinVar aggregate classification (germline): Uncertain significance (1 of 4 stars; one submission).

Allele frequency attached by ClinVar (database versions not stated): gnomAD exomes below 0.00001; TOPMed 0.00001; gnomAD 0.00002.
gnomAD v4.1: 4 of 1,552,186 alleles (0.00026%); highest among the groups gnomAD compares: African/African-American, 0.0055%; no homozygotes.

Submission:

Labcorp Genetics (formerly Invitae), Labcorp
Classification: Uncertain significance. Last evaluated: 2022-08-02. Review status: criteria provided, single submitter. Criteria: Invitae Variant Classification Sherloc (09022015). Collection method: clinical testing. Allele origin: germline.
Comment: This sequence change replaces glutamic acid, which is acidic and polar, with glutamine, which is neutral and polar, at codon 1390 of the NIN protein (p.Glu1390Gln). This variant is not present in population databases (gnomAD no frequency). This variant has not been reported in the literature in individuals affected with NIN-related conditions. Algorithms developed to predict the effect of missense changes on protein structure and function are either unavailable or do not agree on the potential impact of this missense change (SIFT: "Tolerated"; PolyPhen-2: "Possibly Damaging"; Align-GVGD: "Class C0"). In summary, the available evidence is currently insufficient to determine the role of this variant in disease. Therefore, it has been classified as a Variant of Uncertain Significance.

NM_020921.4(NIN):c.4168G>C (p.Glu1390Gln)

Gene: NIN (ninein; minus strand). Cytogenetic location: 14q22.1.
Variant type: single nucleotide variant.
Coding change: c.4168G>C on transcript NM_020921.4 (MANE Select); coding-DNA position 4168, G replaced by C.
Protein change: p.Glu1390Gln; replaces glutamic acid 1390 with glutamine.
Molecular consequence: missense variant. On other transcripts: intron variant (1).
Genome position (GRCh38, 1-based): chr14:50,756,862, C>G on the plus strand (G>C on the coding strand, the complement: NIN is on the minus strand). VCF-style: chr14-50756862-C-G. GRCh37 (hg19) VCF-style: chr14-51223580-C-G.
Other names: c.4168G>C, p.Glu1390Gln (NM_182944.3, NM_182946.2); c.2400-1995G>C (NM_016350.5); short protein forms E1390Q.
Identifiers: ClinVar variation 2014376 (VCV002014376.4), dbSNP rs1263581602, ClinGen allele CA389693887.
Genomic context (GRCh38, chr14:50,756,862, plus strand): 5'-CAATTTCATGTGCTTTTACTTTTTCCAAGAGCTGTGTGTTCCCCTCAAGGTACTGGTTTT[C>G]TTGCTTACATTCCTCTATGACATGATGTACACTCCTAACCCTGGGCACACACTCTTCCAG-3'
Protein context (NP_065972.4, residues 1380-1400): VHHVIEECKQ[Glu1390Gln]NQYLEGNTQL